The following is an entry in ClinVar:

ClinVar aggregate classification (germline): Likely benign. Review status: criteria provided, multiple submitters, no conflicts (2 of 4 stars). 2 submissions from 2 submitters: Likely benign (2). Last evaluated 2025-05-01.

Conditions:
CHARGE syndrome (CHARGE). Also called: Hittner Hirsch Kreh syndrome; CHARGE ASSOCIATION--COLOBOMA, HEART ANOMALY, CHOANAL ATRESIA, RETARDATION, GENITAL AND EAR ANOMALIES; Coloboma, heart anomaly, choanal atresia, retardation, genital and ear anomalies; CHARGE association; Hall-Hittner syndrome. Identifiers: Orphanet 138, MedGen C0265354, MONDO:0008965.

Allele frequency attached by ClinVar (database versions not stated): gnomAD exomes 0.00001.
gnomAD v4.1: 9 of 1,561,586 alleles (0.00058%); highest among the groups gnomAD compares: Middle Eastern, 0.033%; no homozygotes.

Submissions (2):

CeGaT Center for Human Genetics Tuebingen
Classification: Likely benign. Last evaluated: 2025-05-01. Review status: criteria provided, single submitter. Criteria: CeGaT Center For Human Genetics Tuebingen Variant Classification Criteria Version 2. Collection method: clinical testing. Allele origin: germline. Affected: yes. Observed: 2 variant alleles.
Comment: CHD7: BP4

Labcorp Genetics (formerly Invitae), Labcorp
Classification: Likely benign for CHARGE syndrome. Last evaluated: 2022-10-08. Review status: criteria provided, single submitter. Criteria: Invitae Variant Classification Sherloc (09022015). Collection method: clinical testing. Allele origin: germline.

NM_017780.4(CHD7):c.7972-8C>T

Gene: CHD7 (chromodomain helicase DNA binding protein 7; plus strand). Cytogenetic location: 8q12.2.
Variant type: single nucleotide variant.
Coding change: c.7972-8C>T on transcript NM_017780.4 (MANE Select); 8 bases into the intron before coding-DNA position 7972, C replaced by T.
Molecular consequence: intron variant.
Genome position (GRCh38, 1-based): chr8:60,862,540, C>T. VCF-style: chr8-60862540-C-T. GRCh37 (hg19) VCF-style: chr8-61775099-C-T.
Other names: c.1825-8C>T (NM_001316690.1).
Identifiers: ClinVar variation 2150289 (VCV002150289.28), dbSNP rs1489909029, ClinGen allele CA581971440.
Genomic context (GRCh38, chr8:60,862,540, plus strand): 5'-GGGAGTAGATTAACAGAAAGGGGAGGGAAGACTGTGTTTTTAATCATTTGTCAAATGCCT[C>T]TACCCAGATGGGTGGAGCTATGGCGCCTCCAATGAAGGATCTACCCAGGTGGCTGGAAGA-3'